The following is an entry in ClinVar:

ClinVar aggregate classification (germline): Uncertain significance. Review status: criteria provided, multiple submitters, no conflicts (2 of 4 stars). 2 submissions from 2 submitters: Uncertain significance (2). Last evaluated 2024-01-02.

Conditions:
Inborn genetic diseases. Identifiers: MedGen C0950123, MeSH D030342.

Allele frequency attached by ClinVar (database versions not stated): gnomAD exomes below 0.00001.
gnomAD v4.1: 3 of 1,613,998 alleles (0.00019%); highest among the groups gnomAD compares: Non-Finnish European, 0.00025%; no homozygotes.

Submissions (2):

Ambry Genetics
Classification: Uncertain significance for Inborn genetic diseases. Last evaluated: 2024-01-02. Review status: criteria provided, single submitter. Criteria: Ambry Variant Classification Scheme 2023. Collection method: clinical testing. Allele origin: germline.

Labcorp Genetics (formerly Invitae), Labcorp
Classification: Uncertain significance. Last evaluated: 2023-11-10. Review status: criteria provided, single submitter. Criteria: Invitae Variant Classification Sherloc (09022015). Collection method: clinical testing. Allele origin: germline.
Comment: This sequence change replaces histidine, which is basic and polar, with tyrosine, which is neutral and polar, at codon 245 of the NLRP1 protein (p.His245Tyr). This variant is not present in population databases (gnomAD no frequency). This variant has not been reported in the literature in individuals affected with NLRP1-related conditions. An algorithm developed to predict the effect of missense changes on protein structure and function (PolyPhen-2) suggests that this variant is likely to be tolerated. In summary, the available evidence is currently insufficient to determine the role of this variant in disease. Therefore, it has been classified as a Variant of Uncertain Significance.

NM_033004.4(NLRP1):c.733C>T (p.His245Tyr)

Gene: NLRP1 (NLR family pyrin domain containing 1; minus strand). Cytogenetic location: 17p13.2.
Variant type: single nucleotide variant.
Coding change: c.733C>T on transcript NM_033004.4 (MANE Select); coding-DNA position 733, C replaced by T.
Protein change: p.His245Tyr; replaces histidine 245 with tyrosine.
Molecular consequence: missense variant.
Genome position (GRCh38, 1-based): chr17:5,559,963, G>A on the plus strand (C>T on the coding strand, the complement: NLRP1 is on the minus strand). VCF-style: chr17-5559963-G-A. GRCh37 (hg19) VCF-style: chr17-5463283-G-A.
Other names: c.733C>T, p.His245Tyr (NM_001033053.3, NM_014922.5, NM_033006.4 and 1 more transcripts); short protein forms H245Y.
Identifiers: ClinVar variation 2900726 (VCV002900726.4), dbSNP rs2507943070, ClinGen allele CA397388147.